The following is an entry in ClinVar:

NM_016151.4(TAOK2):c.416T>G (p.Leu139Arg)

Gene: TAOK2 (TAO kinase 2; plus strand). Cytogenetic location: 16p11.2.
Variant type: single nucleotide variant.
Coding change: c.416T>G on transcript NM_016151.4 (MANE Select); coding-DNA position 416, T replaced by G.
Protein change: p.Leu139Arg; replaces leucine 139 with arginine.
Molecular consequence: missense variant.
Genome position (GRCh38, 1-based): chr16:29,979,037, T>G. VCF-style: chr16-29979037-T-G. GRCh37 (hg19) VCF-style: chr16-29990358-T-G.
Other names: c.416T>G, p.Leu139Arg (NM_001252043.2, NM_004783.4); short protein forms L139R.
Identifiers: ClinVar variation 2745832 (VCV002745832.3), dbSNP rs2543609498, ClinGen allele CA395471915.
Genomic context (GRCh38, chr16:29,979,037, plus strand): 5'-ACAAGAAACCCCTTCAGGAGGTAGAGATCGCAGCTGTGACCCACGGGGCGCTTCAGGGCC[T>G]GGCATATCTGCACTCCCACAACATGATCCATAGGTACAAGCAGCACCGGCAGTGCCTGGG-3'
Protein context (NP_057235.2, residues 129-149): AAVTHGALQG[Leu139Arg]AYLHSHNMIH

ClinVar aggregate classification (germline): Uncertain significance (1 of 4 stars; one submission).

Submission:

Labcorp Genetics (formerly Invitae), Labcorp
Classification: Uncertain significance. Last evaluated: 2023-07-22. Review status: criteria provided, single submitter. Criteria: Invitae Variant Classification Sherloc (09022015). Collection method: clinical testing. Allele origin: germline.
Comment: This sequence change replaces leucine, which is neutral and non-polar, with arginine, which is basic and polar, at codon 139 of the TAOK2 protein (p.Leu139Arg). This variant is not present in population databases (gnomAD no frequency). This variant has not been reported in the literature in individuals affected with TAOK2-related conditions. An algorithm developed to predict the effect of missense changes on protein structure and function (PolyPhen-2) suggests that this variant is likely to be disruptive. In summary, the available evidence is currently insufficient to determine the role of this variant in disease. Therefore, it has been classified as a Variant of Uncertain Significance.